The following is an entry in ClinVar:

NM_181078.3(IL21R):c.1316G>C (p.Gly439Ala)

Genes: IL21R-AS1 (IL21R antisense RNA 1; minus strand), IL21R (interleukin 21 receptor; plus strand). Cytogenetic location: 16p12.1.
Variant type: single nucleotide variant.
Coding change: c.1316G>C on transcript NM_181078.3 (MANE Select); coding-DNA position 1316, G replaced by C.
Protein change: p.Gly439Ala; replaces glycine 439 with alanine.
Molecular consequence: missense variant. On other transcripts: non-coding transcript variant (1).
Genome position (GRCh38, 1-based): chr16:27,448,982, G>C. VCF-style: chr16-27448982-G-C. GRCh37 (hg19) VCF-style: chr16-27460303-G-C.
Other names: c.1382G>C (NM_181079.4); c.1316G>C, p.Gly439Ala (NM_021798.4); c.1382G>C, p.Gly461Ala (NM_181079.5); short protein forms G461A, G439A.
Identifiers: ClinVar variation 658708 (VCV000658708.6), dbSNP rs199542730, ClinGen allele CA7975185.
Genomic context (GRCh38, chr16:27,448,982, plus strand): 5'-TGGATGCAGGGACCACAGTCCTGTCCTGTGGCTGTGTCTCAGCTGGCAGCCCTGGGCTAG[G>C]AGGGCCCCTGGGAAGCCTCCTGGACAGACTAAAGCCACCCCTTGCAGATGGGGAGGACTG-3'
Protein context (NP_851564.1, residues 429-449): GCVSAGSPGL[Gly439Ala]GPLGSLLDRL

ClinVar aggregate classification (germline): Uncertain significance. Review status: criteria provided, multiple submitters, no conflicts (2 of 4 stars). 2 submissions from 2 submitters: Uncertain significance (2). Last evaluated 2026-02-01.

Conditions:
Cryptosporidiosis-chronic cholangitis-liver disease syndrome. Also called: Immunodeficiency type 56; IL21R immunodeficiency. Identifiers: Orphanet 357329, MedGen C3554687, MONDO:0014082, OMIM 615207.
Inborn genetic diseases. Identifiers: MedGen C0950123, MeSH D030342.

Allele frequency attached by ClinVar (database versions not stated): gnomAD 0.00003; TOPMed 0.00009.
gnomAD v4.1: 65 of 1,612,886 alleles (0.004%); highest among the groups gnomAD compares: Non-Finnish European, 0.0014%; no homozygotes.

Submissions (2):

Labcorp Genetics (formerly Invitae), Labcorp
Classification: Uncertain significance for Cryptosporidiosis-chronic cholangitis-liver disease syndrome. Last evaluated: 2026-02-01. Review status: criteria provided, single submitter. Criteria: Invitae Variant Classification Sherloc (09022015). Collection method: clinical testing. Allele origin: germline.
Comment: This sequence change replaces glycine, which is neutral and non-polar, with alanine, which is neutral and non-polar, at codon 439 of the IL21R protein (p.Gly439Ala). This variant is present in population databases (rs199542730, gnomAD 0.1%). This variant has not been reported in the literature in individuals affected with IL21R-related conditions. ClinVar contains an entry for this variant (Variation ID: 658708). Invitae Evidence Modeling of protein sequence and biophysical properties (such as structural, functional, and spatial information, amino acid conservation, physicochemical variation, residue mobility, and thermodynamic stability) indicates that this missense variant is not expected to disrupt IL21R protein function with a negative predictive value of 80%. In summary, the available evidence is currently insufficient to determine the role of this variant in disease. Therefore, it has been classified as a Variant of Uncertain Significance.

Ambry Genetics
Classification: Uncertain significance for Inborn genetic diseases. Last evaluated: 2023-10-30. Review status: criteria provided, single submitter. Criteria: Ambry Variant Classification Scheme 2023. Collection method: clinical testing. Allele origin: germline.